The following is an entry in ClinVar:

NM_080911.3(UNG):c.664C>G (p.Gln222Glu)

Gene: UNG (uracil DNA glycosylase; plus strand). Cytogenetic location: 12q24.11.
Variant type: single nucleotide variant.
Coding change: c.664C>G on transcript NM_080911.3 (MANE Select); coding-DNA position 664, C replaced by G.
Protein change: p.Gln222Glu; replaces glutamine 222 with glutamic acid.
Molecular consequence: missense variant.
Genome position (GRCh38, 1-based): chr12:109,103,474, C>G. VCF-style: chr12-109103474-C-G. GRCh37 (hg19) VCF-style: chr12-109541279-C-G.
Other names: c.637C>G, p.Gln213Glu (NM_003362.4); short protein forms Q222E, Q213E.
Identifiers: ClinVar variation 882510 (VCV000882510.6), dbSNP rs2042193896, ClinGen allele CA386473536.

ClinVar aggregate classification (germline): Uncertain significance. Review status: criteria provided, multiple submitters, no conflicts (2 of 4 stars). 2 submissions from 2 submitters: Uncertain significance (2). Last evaluated 2022-09-01.

Conditions:
Hyper-IgM syndrome type 5 (HIGM5). Also called: Hyper-IgM Immunodeficiency Syndrome, Type 5. Identifiers: Orphanet 101092, MedGen C1720958, MONDO:0011971, OMIM 608106.

Allele frequency attached by ClinVar (database versions not stated): gnomAD exomes below 0.00001.
gnomAD v4.1: 1 of 1,614,182 alleles (0.000062%); highest among the groups gnomAD compares: Non-Finnish European, 0.000085%; no homozygotes.

Submissions (2):

Labcorp Genetics (formerly Invitae), Labcorp
Classification: Uncertain significance for Hyper-IgM syndrome type 5. Last evaluated: 2022-09-01. Review status: criteria provided, single submitter. Criteria: Invitae Variant Classification Sherloc (09022015). Collection method: clinical testing. Allele origin: germline.
Comment: Algorithms developed to predict the effect of missense changes on protein structure and function (SIFT, PolyPhen-2, Align-GVGD) all suggest that this variant is likely to be tolerated. ClinVar contains an entry for this variant (Variation ID: 882510). This variant has not been reported in the literature in individuals affected with UNG-related conditions. This variant is not present in population databases (gnomAD no frequency). This sequence change replaces glutamine, which is neutral and polar, with glutamic acid, which is acidic and polar, at codon 222 of the UNG protein (p.Gln222Glu). In summary, the available evidence is currently insufficient to determine the role of this variant in disease. Therefore, it has been classified as a Variant of Uncertain Significance.

Illumina Laboratory Services, Illumina
Classification: Uncertain significance for Hyper-IgM syndrome type 5. Last evaluated: 2018-01-13. Review status: criteria provided, single submitter. Criteria: ICSL Variant Classification Criteria 13 December 2019. Collection method: clinical testing. Allele origin: germline.